The following is an entry in ClinVar:

NM_001304438.2(TMEM132E):c.2863G>A (p.Gly955Ser)

Gene: TMEM132E (transmembrane protein 132E; plus strand). Cytogenetic location: 17q12.
Variant type: single nucleotide variant.
Coding change: c.2863G>A on transcript NM_001304438.2 (MANE Select); coding-DNA position 2863, G replaced by A.
Protein change: p.Gly955Ser; replaces glycine 955 with serine.
Molecular consequence: missense variant.
Genome position (GRCh38, 1-based): chr17:34,637,870, G>A. VCF-style: chr17-34637870-G-A. GRCh37 (hg19) VCF-style: chr17-32964889-G-A.
Other names: NM_207313.1:c.2593G>A; short protein forms G955S.
Identifiers: ClinVar variation 1524481 (VCV001524481.9), dbSNP rs150934371, ClinGen allele CA8497048.

ClinVar aggregate classification (germline): Uncertain significance. Review status: criteria provided, multiple submitters, no conflicts (2 of 4 stars). 2 submissions from 2 submitters: Uncertain significance (2). Last evaluated 2024-06-07.

Allele frequency attached by ClinVar (database versions not stated): gnomAD exomes 0.00001 and 0.00002; ExAC 0.00002; gnomAD 0.00011; 1000 Genomes Project 30x 0.00016; ESP Exome Variant Server 0.00016; TOPMed 0.00021.
gnomAD v4.1: 27 of 1,608,830 alleles (0.0017%); highest among the groups gnomAD compares: African/African-American, 0.036%; no homozygotes.

Submissions (2):

Ambry Genetics
Classification: Uncertain significance. Last evaluated: 2024-06-07. Review status: criteria provided, single submitter. Criteria: Ambry Variant Classification Scheme 2023. Collection method: clinical testing. Allele origin: germline.

Labcorp Genetics (formerly Invitae), Labcorp
Classification: Uncertain significance. Last evaluated: 2022-10-13. Review status: criteria provided, single submitter. Criteria: Invitae Variant Classification Sherloc (09022015). Collection method: clinical testing. Allele origin: germline.
Comment: This sequence change replaces glycine, which is neutral and non-polar, with serine, which is neutral and polar, at codon 955 of the TMEM132E protein (p.Gly955Ser). This variant is present in population databases (rs150934371, gnomAD 0.04%). This variant has not been reported in the literature in individuals affected with TMEM132E-related conditions. ClinVar contains an entry for this variant (Variation ID: 1524481). Algorithms developed to predict the effect of missense changes on protein structure and function output the following: SIFT: "Tolerated"; PolyPhen-2: "Not Available"; Align-GVGD: "Class C0". The serine amino acid residue is found in multiple mammalian species, which suggests that this missense change does not adversely affect protein function. In summary, the available evidence is currently insufficient to determine the role of this variant in disease. Therefore, it has been classified as a Variant of Uncertain Significance.